The following is an entry in ClinVar:

NM_000264.5(PTCH1):c.955dup (p.Met319fs)

Gene: PTCH1 (patched 1; minus strand). Cytogenetic location: 9q22.32.
Variant type: Duplication.
Coding change: c.955dup on transcript NM_000264.5 (MANE Select); coding-DNA position 955, one base duplicated (A; older notation c.955dupA).
Protein change: p.Met319fs; shifts the reading frame from methionine 319.
Molecular consequence: frameshift variant. On other transcripts: non-coding transcript variant (1).
Genome position (GRCh38, 1-based): chr9:95,480,081, T duplicated on the plus strand (A on the coding strand, the reverse complement: PTCH1 is on the minus strand). VCF-style (leftmost placement, unchanged base first): chr9-95480080-A-AT. GRCh37 (hg19) VCF-style: chr9-98242362-A-AT.
Other names: c.757dup, p.Met253fs (NM_001083602.3); c.952dup, p.Met318fs (NM_001083603.3); c.502dup, p.Met168fs (NM_001083604.3, NM_001083605.3, NM_001083606.3 and 1 more transcripts); c.955dup, p.Met319fs (NM_001354918.2); short protein forms M168fs, M253fs, M318fs, M319fs.
Identifiers: ClinVar variation 3602932 (VCV003602932.3).

ClinVar aggregate classification (germline): Pathogenic. Review status: criteria provided, multiple submitters, no conflicts (2 of 4 stars). 2 submissions from 2 submitters: Pathogenic (2). Last evaluated 2024-08-05.

Conditions:
Gorlin syndrome. Also called: Basal cell nevus syndrome; Nevoid Basal Cell Carcinoma Syndrome. Identifiers: Orphanet 377, MedGen C0004779, MONDO:0007187.

Submissions (2):

GeneDx
Classification: Pathogenic. Last evaluated: 2024-08-05. Review status: criteria provided, single submitter. Criteria: GeneDx Variant Classification Process June 2021. Collection method: clinical testing. Allele origin: germline. Affected: yes.
Comment: Frameshift variant predicted to result in protein truncation or nonsense mediated decay in a gene for which loss of function is a known mechanism of disease; Not observed at significant frequency in large population cohorts (gnomAD); This variant is associated with the following publications: (PMID: 16301862)

Labcorp Genetics (formerly Invitae), Labcorp
Classification: Pathogenic for Gorlin syndrome. Last evaluated: 2024-05-02. Review status: criteria provided, single submitter. Criteria: Invitae Variant Classification Sherloc (09022015). Collection method: clinical testing. Allele origin: germline.
Comment: This sequence change creates a premature translational stop signal (p.Met319Asnfs*118) in the PTCH1 gene. It is expected to result in an absent or disrupted protein product. Loss-of-function variants in PTCH1 are known to be pathogenic (PMID: 16301862, 16419085). This variant is not present in population databases (gnomAD no frequency). This premature translational stop signal has been observed in individual(s) with clinical features of basal cell nevus syndrome (PMID: 16301862). For these reasons, this variant has been classified as Pathogenic.

Literature cited by the submitters: PubMed 16301862 (cited by Labcorp Genetics (formerly Invitae), Labcorp); PubMed 16419085 (cited by Labcorp Genetics (formerly Invitae), Labcorp).